The following is an entry in ClinVar:

ClinVar aggregate classification (germline): Uncertain significance (1 of 4 stars; one submission).

Conditions:
Charcot-Marie-Tooth disease type 4. Also called: Charcot-Marie-Tooth disease, type IV; Charcot-Marie-Tooth, Type 4. Identifiers: Orphanet 64749, MedGen C4082197, MONDO:0018995.

Allele frequency attached by ClinVar (database versions not stated): gnomAD exomes below 0.00001; gnomAD 0.00001; TOPMed 0.00001.
gnomAD v4.1: 2 of 1,613,980 alleles (0.00012%); highest among the groups gnomAD compares: East Asian, 0.0045%; no homozygotes.

Submission:

Labcorp Genetics (formerly Invitae), Labcorp
Classification: Uncertain significance for Charcot-Marie-Tooth disease type 4. Last evaluated: 2022-06-23. Review status: criteria provided, single submitter. Criteria: Invitae Variant Classification Sherloc (09022015). Collection method: clinical testing. Allele origin: germline.
Comment: In summary, the available evidence is currently insufficient to determine the role of this variant in disease. Therefore, it has been classified as a Variant of Uncertain Significance. Algorithms developed to predict the effect of missense changes on protein structure and function (SIFT, PolyPhen-2, Align-GVGD) all suggest that this variant is likely to be tolerated. This variant has not been reported in the literature in individuals affected with NDRG1-related conditions. This variant is not present in population databases (gnomAD no frequency). This sequence change replaces glutamine, which is neutral and polar, with proline, which is neutral and non-polar, at codon 202 of the NDRG1 protein (p.Gln202Pro).

NM_006096.4(NDRG1):c.605A>C (p.Gln202Pro)

Gene: NDRG1 (N-myc downstream regulated 1; minus strand). Cytogenetic location: 8q24.22.
Variant type: single nucleotide variant.
Coding change: c.605A>C on transcript NM_006096.4 (MANE Select); coding-DNA position 605, A replaced by C.
Protein change: p.Gln202Pro; replaces glutamine 202 with proline.
Molecular consequence: missense variant.
Genome position (GRCh38, 1-based): chr8:133,250,533, T>G on the plus strand (A>C on the coding strand, the complement: NDRG1 is on the minus strand). VCF-style: chr8-133250533-T-G. GRCh37 (hg19) VCF-style: chr8-134262776-T-G.
Other names: c.605A>C, p.Gln202Pro (NM_001135242.2, NM_001374845.1, NM_001374846.1); c.407A>C, p.Gln136Pro (NM_001258432.2, NM_001374847.1); c.362A>C, p.Gln121Pro (NM_001258433.2); c.656A>C, p.Gln219Pro (NM_001374844.1); short protein forms Q121P, Q202P, Q136P, Q219P.
Identifiers: ClinVar variation 2158883 (VCV002158883.4), dbSNP rs1276072822, ClinGen allele CA372255477.
Genomic context (GRCh38, chr8:133,250,533, plus strand): 5'-CCGGGGTTCATGTCATTCACAATGTGCTGGCGGTAGGTGTGGACCACTTCCACGTTACTC[T>G]GCATTTCTTCCTGCATTTAGAGAGGTGAGAAGATGGTCCTCATCGCACTGTGGCCCTGAG-3'
Protein context (NP_006087.2, residues 192-212): VSHLFGKEEM[Gln202Pro]SNVEVVHTYR